The following is an entry in ClinVar:

ClinVar aggregate classification (germline): Uncertain significance (1 of 4 stars; one submission).

Submission:

Labcorp Genetics (formerly Invitae), Labcorp
Classification: Uncertain significance. Last evaluated: 2024-02-24. Review status: criteria provided, single submitter. Criteria: Invitae Variant Classification Sherloc (09022015). Collection method: clinical testing. Allele origin: germline.
Comment: This sequence change replaces methionine, which is neutral and non-polar, with isoleucine, which is neutral and non-polar, at codon 281 of the LMNB1 protein (p.Met281Ile). This variant is not present in population databases (gnomAD no frequency). This variant has not been reported in the literature in individuals affected with LMNB1-related conditions. ClinVar contains an entry for this variant (Variation ID: 1045216). Advanced modeling of protein sequence and biophysical properties (such as structural, functional, and spatial information, amino acid conservation, physicochemical variation, residue mobility, and thermodynamic stability) performed at Invitae indicates that this missense variant is not expected to disrupt LMNB1 protein function with a negative predictive value of 80%. In summary, the available evidence is currently insufficient to determine the role of this variant in disease. Therefore, it has been classified as a Variant of Uncertain Significance.

NM_005573.4(LMNB1):c.843G>T (p.Met281Ile)

Gene: LMNB1 (lamin B1; plus strand). Cytogenetic location: 5q23.2.
Variant type: single nucleotide variant.
Coding change: c.843G>T on transcript NM_005573.4 (MANE Select); coding-DNA position 843, G replaced by T.
Protein change: p.Met281Ile; replaces methionine 281 with isoleucine.
Molecular consequence: missense variant. On other transcripts: non-coding transcript variant (1).
Genome position (GRCh38, 1-based): chr5:126,811,802, G>T. VCF-style: chr5-126811802-G-T. GRCh37 (hg19) VCF-style: chr5-126147494-G-T.
Other names: c.213G>T, p.Met71Ile (NM_001198557.2); short protein forms M281I, M71I.
Identifiers: ClinVar variation 1045216 (VCV001045216.8), dbSNP rs1751583474, ClinGen allele CA360723136.